The following is an entry in ClinVar:

NM_001447.3(FAT2):c.1742A>G (p.Lys581Arg)

Gene: FAT2 (FAT atypical cadherin 2; minus strand). Cytogenetic location: 5q33.1.
Variant type: single nucleotide variant.
Coding change: c.1742A>G on transcript NM_001447.3 (MANE Select); coding-DNA position 1742, A replaced by G.
Protein change: p.Lys581Arg; replaces lysine 581 with arginine.
Molecular consequence: missense variant.
Genome position (GRCh38, 1-based): chr5:151,567,190, T>C on the plus strand (A>G on the coding strand, the complement: FAT2 is on the minus strand). VCF-style: chr5-151567190-T-C. GRCh37 (hg19) VCF-style: chr5-150946751-T-C.
Other names: short protein forms K581R.
Identifiers: ClinVar variation 2168031 (VCV002168031.4), dbSNP rs758646762, ClinGen allele CA3522200.

ClinVar aggregate classification (germline): Uncertain significance (1 of 4 stars; one submission).

Allele frequency attached by ClinVar (database versions not stated): ExAC 0.00001; gnomAD exomes 0.00003; TOPMed 0.00003; gnomAD 0.00004.

Submission:

Labcorp Genetics (formerly Invitae), Labcorp
Classification: Uncertain significance. Last evaluated: 2025-06-17. Review status: criteria provided, single submitter. Criteria: Invitae Variant Classification Sherloc (09022015). Collection method: clinical testing. Allele origin: germline.
Comment: This sequence change replaces lysine, which is basic and polar, with arginine, which is basic and polar, at codon 581 of the FAT2 protein (p.Lys581Arg). This variant is present in population databases (rs758646762, gnomAD 0.003%). This variant has not been reported in the literature in individuals affected with FAT2-related conditions. ClinVar contains an entry for this variant (Variation ID: 2168031). Invitae Evidence Modeling of protein sequence and biophysical properties (such as structural, functional, and spatial information, amino acid conservation, physicochemical variation, residue mobility, and thermodynamic stability) indicates that this missense variant is expected to disrupt FAT2 protein function with a positive predictive value of 80%. In summary, the available evidence is currently insufficient to determine the role of this variant in disease. Therefore, it has been classified as a Variant of Uncertain Significance.